The following is an entry in ClinVar:

ClinVar aggregate classification (germline): Uncertain significance. Review status: criteria provided, multiple submitters, no conflicts (2 of 4 stars). 2 submissions from 2 submitters: Uncertain significance (2). Last evaluated 2026-04-30.

Conditions:
Nemaline myopathy 2 (NEM2). Also called: Nemaline myopathy 2, autosomal recessive. Identifiers: MedGen C1850569, MONDO:0009725, OMIM 256030.
Inborn genetic diseases. Identifiers: MedGen C0950123, MeSH D030342.

gnomAD v4.1: 5 of 1,611,086 alleles (0.00031%); highest among the groups gnomAD compares: African/African-American, 0.004%; no homozygotes.

Submissions (2):

Ambry Genetics
Classification: Uncertain significance for Inborn genetic diseases. Last evaluated: 2026-04-30. Review status: criteria provided, single submitter. Criteria: Ambry Variant Classification Scheme 2023. Collection method: clinical testing. Allele origin: germline.

Labcorp Genetics (formerly Invitae), Labcorp
Classification: Uncertain significance for Nemaline myopathy 2. Last evaluated: 2025-05-25. Review status: criteria provided, single submitter. Criteria: Invitae Variant Classification Sherloc (09022015). Collection method: clinical testing. Allele origin: germline.
Comment: This sequence change replaces tyrosine, which is neutral and polar, with cysteine, which is neutral and slightly polar, at codon 3764 of the NEB protein (p.Tyr3764Cys). This variant is present in population databases (rs754079017, gnomAD 0.01%). This variant has not been reported in the literature in individuals affected with NEB-related conditions. Experimental studies and prediction algorithms are not available or were not evaluated, and the functional significance of this variant is currently unknown. In summary, the available evidence is currently insufficient to determine the role of this variant in disease. Therefore, it has been classified as a Variant of Uncertain Significance.

NM_001164508.2(NEB):c.11291A>G (p.Tyr3764Cys)

Gene: NEB (nebulin; minus strand). Cytogenetic location: 2q23.3.
Variant type: single nucleotide variant.
Coding change: c.11291A>G on transcript NM_001164508.2 (MANE Select); coding-DNA position 11291, A replaced by G.
Protein change: p.Tyr3764Cys; replaces tyrosine 3764 with cysteine.
Molecular consequence: missense variant.
Genome position (GRCh38, 1-based): chr2:151,614,586, T>C on the plus strand (A>G on the coding strand, the complement: NEB is on the minus strand). VCF-style: chr2-151614586-T-C. GRCh37 (hg19) VCF-style: chr2-152471100-T-C.
Other names: c.10562A>G (NM_004543.4); c.11291A>G, p.Tyr3764Cys (NM_001164507.2, NM_001271208.2); c.10562A>G, p.Tyr3521Cys (NM_004543.5); short protein forms Y3521C, Y3764C.
Identifiers: ClinVar variation 4752986 (VCV004752986.2).